The following is an entry in ClinVar:

ClinVar aggregate classification (germline): Uncertain significance (1 of 4 stars; one submission).

Conditions:
Hereditary breast ovarian cancer syndrome. Also called: Hereditary breast and ovarian cancer; BRCA1- and BRCA2-Associated Hereditary Breast and Ovarian Cancer; Hereditary breast and ovarian cancer syndrome; Hereditary breast and ovarian cancer syndrome (HBOC); Breast and ovarian cancer; Hereditary breast and/or ovarian cancer syndrome. Identifiers: Orphanet 145, MedGen C0677776, MeSH D061325, MONDO:0003582. Disease mechanism: loss of function.

Submission:

Labcorp Genetics (formerly Invitae), Labcorp
Classification: Uncertain significance for Hereditary breast ovarian cancer syndrome. Last evaluated: 2023-01-25. Review status: criteria provided, single submitter. Criteria: Invitae Variant Classification Sherloc (09022015). Collection method: clinical testing. Allele origin: germline.
Comment: In summary, the available evidence is currently insufficient to determine the role of this variant in disease. Therefore, it has been classified as a Variant of Uncertain Significance. An algorithm developed to predict the effect of missense changes on protein structure and function (PolyPhen-2) suggests that this variant is likely to be tolerated. This variant has not been reported in the literature in individuals affected with BRCA2-related conditions. This sequence change replaces serine, which is neutral and polar, with asparagine, which is neutral and polar, at codon 1060 of the BRCA2 protein (p.Ser1060Asn). Information on the frequency of this variant in the gnomAD database is not available, as this variant may be reported differently in the database.

NM_000059.4(BRCA2):c.3179_3180delinsAT (p.Ser1060Asn)

Gene: BRCA2 (BRCA2 DNA repair associated; plus strand). Cytogenetic location: 13q13.1.
Variant type: Indel.
Coding change: c.3179_3180delinsAT on transcript NM_000059.4 (MANE Select); coding-DNA positions 3179 to 3180, GC replaced by AT.
Protein change: p.Ser1060Asn; replaces serine 1060 with asparagine.
Molecular consequence: missense variant. On other transcripts: non-coding transcript variant (1), intron variant (2).
Genome position (GRCh38, 1-based): chr13:32,337,534-32,337,535, GC replaced by AT. VCF-style: chr13-32337534-GC-AT. GRCh37 (hg19) VCF-style: chr13-32911671-GC-AT.
Other names: c.3179_3180delinsAT, p.Ser1060Asn (NM_001406719.1, NM_001406720.1); c.1909+4147_1909+4148delinsAT (NM_001406721.1); c.424+6504_424+6505delinsAT (NM_001406722.1); short protein forms S1060N.
Identifiers: ClinVar variation 2831895 (VCV002831895.3), dbSNP rs2548525400, ClinGen allele CA2739277535.